The following is an entry in ClinVar:

NM_014159.7(SETD2):c.3648T>C (p.Ser1216=)

Gene: SETD2 (SET domain containing 2, histone lysine methyltransferase; minus strand). Cytogenetic location: 3p21.31.
Variant type: single nucleotide variant.
Coding change: c.3648T>C on transcript NM_014159.7 (MANE Select); coding-DNA position 3648, T replaced by C.
Protein change: p.Ser1216=; no amino-acid change (serine 1216 retained).
Molecular consequence: synonymous variant. On other transcripts: non-coding transcript variant (1).
Genome position (GRCh38, 1-based): chr3:47,120,988, A>G on the plus strand (T>C on the coding strand, the complement: SETD2 is on the minus strand). VCF-style: chr3-47120988-A-G. GRCh37 (hg19) VCF-style: chr3-47162478-A-G.
Other names: c.3516T>C, p.Ser1172= (NM_001349370.3).
Identifiers: ClinVar variation 3031825 (VCV003031825.2), dbSNP rs2107748285, ClinGen allele CA433601175.
Genomic context (GRCh38, chr3:47,120,988, plus strand): 5'-ACTCAATTCTGTTTTTCCCAGTCTACTATCTGGCCTGTTTTGGAAAGTGGTCTGTTGCCA[A>G]GACTTATTTGGGACATCTTCAAAATCAGAAGAATAAATTGGCAGCTCTTCTTGCTGCCTA-3'
Protein context (NP_054878.5, residues 1206-1226): SSDFEDVPNK[Ser1216=]WQQTTFQNRP

ClinVar aggregate classification (germline): Likely benign (0 of 4 stars; one submission).

Conditions:
SETD2-related disorder.

Submission:

PreventionGenetics, part of Exact Sciences
Classification: Likely benign for SETD2-related condition. Last evaluated: 2020-10-05. Review status: no assertion criteria provided. Collection method: clinical testing. Allele origin: germline.
Comment: This variant is classified as likely benign based on ACMG/AMP sequence variant interpretation guidelines (Richards et al. 2015 PMID: 25741868, with internal and published modifications).